The following is an entry in ClinVar:

ClinVar aggregate classification (germline): Uncertain significance (1 of 4 stars; one submission).

Conditions:
Cystic fibrosis (CF). Also called: MUCOVISCIDOSIS. Identifiers: Orphanet 586, MedGen C0010674, MONDO:0009061, OMIM 219700. Disease mechanism: loss of function.

Submission:

Ambry Genetics
Classification: Uncertain significance for Cystic fibrosis. Last evaluated: 2025-06-12. Review status: criteria provided, single submitter. Criteria: Ambry Variant Classification Scheme 2023. Collection method: clinical testing. Allele origin: germline.
Comment: The p.F342V variant (also known as c.1024T>G), located in coding exon 8 of the CFTR gene, results from a T to G substitution at nucleotide position 1024. The phenylalanine at codon 342 is replaced by valine, an amino acid with highly similar properties. This amino acid position is conserved. In addition, the in silico prediction for this alteration is inconclusive. Based on the available evidence, the clinical significance of this variant remains unclear.

NM_000492.4(CFTR):c.1024T>G (p.Phe342Val)

Gene: CFTR (CF transmembrane conductance regulator; plus strand). Cytogenetic location: 7q31.2.
Variant type: single nucleotide variant.
Coding change: c.1024T>G on transcript NM_000492.4 (MANE Select); coding-DNA position 1024, T replaced by G.
Protein change: p.Phe342Val; replaces phenylalanine 342 with valine.
Molecular consequence: missense variant.
Genome position (GRCh38, 1-based): chr7:117,540,254, T>G. VCF-style: chr7-117540254-T-G. GRCh37 (hg19) VCF-style: chr7-117180308-T-G.
Other names: short protein forms F342V.
Identifiers: ClinVar variation 4001892 (VCV004001892.1).